The following is an entry in ClinVar:

ClinVar aggregate classification (germline): Uncertain significance (1 of 4 stars; one submission).

Conditions:
Werner syndrome (WRN). Identifiers: Orphanet 902, MedGen C0043119, MONDO:0010196, OMIM 277700.

Submission:

Labcorp Genetics (formerly Invitae), Labcorp
Classification: Uncertain significance for Werner syndrome. Last evaluated: 2021-04-09. Review status: criteria provided, single submitter. Criteria: Invitae Variant Classification Sherloc (09022015). Collection method: clinical testing. Allele origin: germline.
Comment: In summary, the available evidence is currently insufficient to determine the role of this variant in disease. Therefore, it has been classified as a Variant of Uncertain Significance. Algorithms developed to predict the effect of missense changes on protein structure and function are either unavailable or do not agree on the potential impact of this missense change (SIFT: "Not Available"; PolyPhen-2: "Probably Damaging"; Align-GVGD: "Not Available"). This variant has not been reported in the literature in individuals with WRN-related conditions. This variant is not present in population databases (ExAC no frequency). This sequence change replaces lysine with threonine at codon 555 of the WRN protein (p.Lys555Thr). The lysine residue is highly conserved and there is a moderate physicochemical difference between lysine and threonine.

NM_000553.6(WRN):c.1664A>C (p.Lys555Thr)

Gene: WRN (WRN RecQ like helicase; plus strand). Cytogenetic location: 8p12.
Variant type: single nucleotide variant.
Coding change: c.1664A>C on transcript NM_000553.6 (MANE Select); coding-DNA position 1664, A replaced by C.
Protein change: p.Lys555Thr; replaces lysine 555 with threonine.
Molecular consequence: missense variant.
Genome position (GRCh38, 1-based): chr8:31,090,476, A>C. VCF-style: chr8-31090476-A-C. GRCh37 (hg19) VCF-style: chr8-30947992-A-C.
Other names: short protein forms K555T.
Identifiers: ClinVar variation 1386056 (VCV001386056.6), dbSNP rs2130171044, ClinGen allele CA370926820.
Genomic context (GRCh38, chr8:31,090,476, plus strand): 5'-GGGTTTCTTATTAATAAAACAAAATAGCTTTTTGCTTTTCACCTTCAAGAGTTCAGTGGA[A>C]AGTGATTCATTCAGTATTAGAAGAAAGAAGAGATAATGTTGCTGTCATGGCAACTGGTAA-3'
Protein context (NP_000544.2, residues 545-565): GHSSFKPVQW[Lys555Thr]VIHSVLEERR